The following is an entry in ClinVar:

ClinVar aggregate classification (germline): Uncertain significance. Review status: criteria provided, multiple submitters, no conflicts (2 of 4 stars). 3 submissions from 3 submitters: Uncertain significance (3). Last evaluated 2023-04-11.

Conditions:
MHC class II deficiency. Also called: Bare lymphocyte syndrome 2; BLS, TYPE II. Identifiers: Orphanet 572, MedGen C5447452, MONDO:0008855.

Allele frequency attached by ClinVar (database versions not stated): gnomAD exomes below 0.00001; ExAC 0.00001; gnomAD 0.00001; TOPMed 0.00001.
gnomAD v4.1: 3 of 1,614,118 alleles (0.00019%); highest among the groups gnomAD compares: African/African-American, 0.0013%; no homozygotes.

Submissions (3):

Genome-Nilou Lab
Classification: Uncertain significance for MHC class II deficiency 1. Last evaluated: 2023-04-11. Review status: criteria provided, single submitter. Criteria: ACMG Guidelines, 2015. Collection method: clinical testing. Allele origin: germline. Affected: no.

Labcorp Genetics (formerly Invitae), Labcorp
Classification: Uncertain significance for MHC class II deficiency. Last evaluated: 2022-05-29. Review status: criteria provided, single submitter. Criteria: Invitae Variant Classification Sherloc (09022015). Collection method: clinical testing. Allele origin: germline.
Comment: This sequence change replaces lysine, which is basic and polar, with glutamic acid, which is acidic and polar, at codon 463 of the RFX5 protein (p.Lys463Glu). This variant is present in population databases (rs761522836, gnomAD 0.0009%). This variant has not been reported in the literature in individuals affected with RFX5-related conditions. Algorithms developed to predict the effect of missense changes on protein structure and function are either unavailable or do not agree on the potential impact of this missense change (SIFT: "Deleterious"; PolyPhen-2: "Possibly Damaging"; Align-GVGD: "Class C0"). In summary, the available evidence is currently insufficient to determine the role of this variant in disease. Therefore, it has been classified as a Variant of Uncertain Significance.

Ambry Genetics
Classification: Uncertain significance. Last evaluated: 2021-09-16. Review status: criteria provided, single submitter. Criteria: Ambry Variant Classification Scheme 2023. Collection method: clinical testing. Allele origin: germline.

NM_001025603.2(RFX5):c.1387A>G (p.Lys463Glu)

Gene: RFX5 (regulatory factor X5; minus strand). Cytogenetic location: 1q21.3.
Variant type: single nucleotide variant.
Coding change: c.1387A>G on transcript NM_001025603.2 (MANE Select); coding-DNA position 1387, A replaced by G.
Protein change: p.Lys463Glu; replaces lysine 463 with glutamic acid.
Molecular consequence: missense variant.
Genome position (GRCh38, 1-based): chr1:151,342,650, T>C on the plus strand (A>G on the coding strand, the complement: RFX5 is on the minus strand). VCF-style: chr1-151342650-T-C. GRCh37 (hg19) VCF-style: chr1-151315126-T-C.
Other names: c.1387A>G, p.Lys463Glu (NM_000449.4, NM_001379412.1, NM_001379413.1 and 5 more transcripts); c.1267A>G, p.Lys423Glu (NM_001379419.1, NM_001379420.1); short protein forms K463E, K423E.
Identifiers: ClinVar variation 2178174 (VCV002178174.3), dbSNP rs761522836, ClinGen allele CA1089612.